The following is an entry in ClinVar:

NC_000011.10:g.(?_108292609)_(108293487_?)del

Gene: ATM (ATM serine/threonine kinase; plus strand). Cytogenetic location: 11q22.3.
Variant type: Deletion.
Identifiers: ClinVar variation 831086 (VCV000831086.3).

ClinVar aggregate classification (germline): Pathogenic (1 of 4 stars; one submission).

Conditions:
Ataxia-telangiectasia syndrome (AT). Also called: ATAXIA-TELANGIECTASIA, COMPLEMENTATION GROUP A; ATAXIA-TELANGIECTASIA, FRESNO VARIANT; Ataxia-telangiectasia, complementation group E; Ataxia telangiectasia (A-T); LOUIS-BAR SYNDROME; Cerebello-oculocutaneous telangiectasia. Identifiers: Orphanet 100, MedGen C0004135, MONDO:0008840, OMIM 208900.

Submission:

Labcorp Genetics (formerly Invitae), Labcorp
Classification: Pathogenic for Ataxia-telangiectasia syndrome. Last evaluated: 2019-04-22. Review status: criteria provided, single submitter. Criteria: Invitae Variant Classification Sherloc (09022015). Collection method: clinical testing. Allele origin: germline.
Comment: For these reasons, this variant has been classified as Pathogenic. Loss-of-function variants in ATM are known to be pathogenic (PMID: 23807571, 25614872). This variant has not been reported in the literature in individuals with ATM-related conditions. This variant is an out-of-frame deletion of the genomic region encompassing exons 30-31 of the ATM gene. This is expected to create a premature translational stop signal and result in an absent or disrupted protein product.

Literature cited by the submitters: PubMed 23807571; PubMed 25614872.